The following is an entry in ClinVar:

NM_004364.5(CEBPA):c.1033C>G (p.Leu345Val)

Gene: CEBPA (CCAAT enhancer binding protein alpha; minus strand). Cytogenetic location: 19q13.11.
Variant type: single nucleotide variant.
Coding change: c.1033C>G on transcript NM_004364.5 (MANE Select); coding-DNA position 1033, C replaced by G.
Protein change: p.Leu345Val; replaces leucine 345 with valine.
Molecular consequence: missense variant.
Genome position (GRCh38, 1-based): chr19:33,301,382, G>C on the plus strand (C>G on the coding strand, the complement: CEBPA is on the minus strand). VCF-style: chr19-33301382-G-C. GRCh37 (hg19) VCF-style: chr19-33792288-G-C.
Other names: c.676C>G, p.Leu226Val (NM_001285829.2); c.1138C>G, p.Leu380Val (NM_001287424.2); c.991C>G, p.Leu331Val (NM_001287435.2); short protein forms L226V, L331V, L345V, L380V.
Identifiers: ClinVar variation 4868670 (VCV004868670.1).
Genomic context (GRCh38, chr19:33,301,382, plus strand): 5'-CCCACAGCCGCGCGCCTCACGCGCAGTTGCCCATGGCCTTGACCAAGGAGCTCTCTGGCA[G>C]CTGGCGGAAGATGCCCCGCAGCGTGTCCAGTTCGCGGCTCAGCTGTTCCACCCGCTTGCG-3'
Protein context (NP_004355.2, residues 335-355): LDTLRGIFRQ[Leu345Val]PESSLVKAMG

ClinVar aggregate classification (germline): Uncertain significance (1 of 4 stars; one submission).

Conditions:
Inborn genetic diseases. Identifiers: MedGen C0950123, MeSH D030342.

Submission:

Ambry Genetics
Classification: Uncertain significance for Inborn genetic diseases. Last evaluated: 2026-04-11. Review status: criteria provided, single submitter. Criteria: Ambry Variant Classification Scheme 2023. Collection method: clinical testing. Allele origin: germline.
Comment: The p.L345V variant (also known as c.1033C>G), located in coding exon 1 of the CEBPA gene, results from a C to G substitution at nucleotide position 1033. The leucine at codon 345 is replaced by valine, an amino acid with highly similar properties. This amino acid position is conserved. In addition, this alteration is predicted to be tolerated by in silico analysis. Based on the available evidence, the clinical significance of this variant remains unclear.